The following is an entry in ClinVar:

NM_004667.6(HERC2):c.12697T>A (p.Ser4233Thr)

Gene: HERC2 (HECT and RLD domain containing E3 ubiquitin protein ligase 2; minus strand). Cytogenetic location: 15q13.1.
Variant type: single nucleotide variant.
Coding change: c.12697T>A on transcript NM_004667.6 (MANE Select); coding-DNA position 12697, T replaced by A.
Protein change: p.Ser4233Thr; replaces serine 4233 with threonine.
Molecular consequence: missense variant.
Genome position (GRCh38, 1-based): chr15:28,130,268, A>T on the plus strand (T>A on the coding strand, the complement: HERC2 is on the minus strand). VCF-style: chr15-28130268-A-T. GRCh37 (hg19) VCF-style: chr15-28375414-A-T.
Other names: c.12697T>A (NM_004667.4); short protein forms S4233T.
Identifiers: ClinVar variation 450669 (VCV000450669.10), dbSNP rs138063419, ClinGen allele CA7440228.
Genomic context (GRCh38, chr15:28,130,268, plus strand): 5'-CGATGACTTTCTTCCCCTGCAACCCTTGGACCTGCCGAGGCCTTCGAACATGGTCATCTG[A>T]TCCATGGCCCAACCTGTGATAATCGCCTTTGCCCCTGCACACAAAGGAAGCATGGAAATT-3'
Protein context (NP_004658.3, residues 4223-4243): KGDYHRLGHG[Ser4233Thr]DDHVRRPRQV

ClinVar aggregate classification (germline): Uncertain significance. Review status: criteria provided, multiple submitters, no conflicts (2 of 4 stars). 2 submissions from 2 submitters: Uncertain significance (2). Last evaluated 2025-06-23.

Allele frequency attached by ClinVar (database versions not stated): gnomAD 0.00037 and 0.00038; gnomAD exomes 0.00037 and 0.00066; ESP Exome Variant Server 0.00054; 1000 Genomes Project 0.00020; 1000 Genomes Project 30x 0.00031; TOPMed 0.00032; ExAC 0.00035.
gnomAD v4.1: 1,006 of 1,614,088 alleles (0.062%); highest among the groups gnomAD compares: Non-Finnish European, 0.082%; 1 homozygote.

Submissions (2):

GeneDx
Classification: Uncertain significance. Last evaluated: 2025-06-23. Review status: criteria provided, single submitter. Criteria: GeneDx Variant Classification Process June 2021. Collection method: clinical testing. Allele origin: germline. Affected: yes.
Comment: In silico analysis suggests that this missense variant does not alter protein structure/function; Has not been previously published as pathogenic or benign to our knowledge

Revvity Omics, Revvity
Classification: Uncertain significance. Last evaluated: 2021-04-08. Review status: criteria provided, single submitter. Criteria: ACMG Guidelines, 2015. Collection method: clinical testing. Allele origin: germline.